The following is an entry in ClinVar:

NM_015378.4(VPS13D):c.12944A>G (p.Asp4315Gly)

Gene: VPS13D (vacuolar protein sorting 13 homolog D; plus strand). Cytogenetic location: 1p36.21.
Variant type: single nucleotide variant.
Coding change: c.12944A>G on transcript NM_015378.4 (MANE Select); coding-DNA position 12944, A replaced by G.
Protein change: p.Asp4315Gly; replaces aspartic acid 4315 with glycine.
Molecular consequence: missense variant.
Genome position (GRCh38, 1-based): chr1:12,507,002, A>G. VCF-style: chr1-12507002-A-G. GRCh37 (hg19) VCF-style: chr1-12567056-A-G.
Other names: c.12869A>G, p.Asp4290Gly (NM_018156.4); short protein forms D4315G, D4290G.
Identifiers: ClinVar variation 2108298 (VCV002108298.4), dbSNP rs1404086289, ClinGen allele CA338496086.
Genomic context (GRCh38, chr1:12,507,002, plus strand): 5'-GAGAAGCCATTTTCCTAGAAGTCAAATACGATGACCTCTACCACTGCCTTGTCTCCAAAG[A>G]CCATGGGAAGGTGTATGTGCAGGTGACCAAGAAAGCCGTGAGCACGAGCAGTGGAGTGTC-3'
Protein context (NP_056193.2, residues 4305-4325): DDLYHCLVSK[Asp4315Gly]HGKVYVQVTK

ClinVar aggregate classification (germline): Uncertain significance (1 of 4 stars; one submission).

Allele frequency attached by ClinVar (database versions not stated): TOPMed below 0.00001; gnomAD 0.00001.
gnomAD v4.1: 1 of 1,614,144 alleles (0.000062%); highest among the groups gnomAD compares: Admixed American, 0.0017%; no homozygotes.

Submission:

Labcorp Genetics (formerly Invitae), Labcorp
Classification: Uncertain significance. Last evaluated: 2022-04-06. Review status: criteria provided, single submitter. Criteria: Invitae Variant Classification Sherloc (09022015). Collection method: clinical testing. Allele origin: germline.
Comment: This variant has not been reported in the literature in individuals affected with VPS13D-related conditions. In summary, the available evidence is currently insufficient to determine the role of this variant in disease. Therefore, it has been classified as a Variant of Uncertain Significance. Algorithms developed to predict the effect of missense changes on protein structure and function are either unavailable or do not agree on the potential impact of this missense change (SIFT: "Not Available"; PolyPhen-2: "Probably Damaging"; Align-GVGD: "Not Available"). This variant is not present in population databases (gnomAD no frequency). This sequence change replaces aspartic acid, which is acidic and polar, with glycine, which is neutral and non-polar, at codon 4315 of the VPS13D protein (p.Asp4315Gly).